The following is an entry in ClinVar:

ClinVar aggregate classification (germline): Likely pathogenic (1 of 4 stars; one submission).

Submission:

Labcorp Genetics (formerly Invitae), Labcorp
Classification: Likely pathogenic. Last evaluated: 2020-11-17. Review status: criteria provided, single submitter. Criteria: Invitae Variant Classification Sherloc (09022015). Collection method: clinical testing. Allele origin: germline.
Comment: In summary, the currently available evidence indicates that the variant is pathogenic, but additional data are needed to prove that conclusively. Therefore, this variant has been classified as Likely Pathogenic. Algorithms developed to predict the effect of sequence changes on RNA splicing suggest that this variant may disrupt the consensus splice site, but this prediction has not been confirmed by published transcriptional studies. This variant has not been reported in the literature in individuals with VPS13A-related conditions. This variant is not present in population databases (ExAC no frequency). This sequence change affects a donor splice site in intron 48 of the VPS13A gene. It is expected to disrupt RNA splicing. Variants that disrupt the donor or acceptor splice site typically lead to a loss of protein function (PMID: 16199547), and loss-of-function variants in VPS13A are known to be pathogenic (PMID: 12404112, 21598378).

Literature cited by the submitters: PubMed 16199547; PubMed 12404112; PubMed 21598378.

NM_033305.3(VPS13A):c.6774+2T>C

Gene: VPS13A (vacuolar protein sorting 13 homolog A; plus strand). Cytogenetic location: 9q21.2.
Variant type: single nucleotide variant.
Coding change: c.6774+2T>C on transcript NM_033305.3 (MANE Select); the canonical splice donor site of the intron after coding-DNA position 6774, T replaced by C.
Molecular consequence: splice donor variant.
Genome position (GRCh38, 1-based): chr9:77,339,913, T>C. VCF-style: chr9-77339913-T-C. GRCh37 (hg19) VCF-style: chr9-79954829-T-C.
Other names: c.6657+2T>C (NM_001018037.2); c.6774+2T>C (NM_015186.4, NM_001018038.3).
Identifiers: ClinVar variation 1494772 (VCV001494772.8), dbSNP rs2131506184, ClinGen allele CA373851588.